The following is an entry in ClinVar:

ClinVar aggregate classification (germline): Conflicting classifications of pathogenicity. Review status: criteria provided, conflicting classifications (1 of 4 stars). 3 submissions from 3 submitters: Uncertain significance (2); Likely benign (1). Last evaluated 2025-11-15.

Conditions:
Hereditary cancer-predisposing syndrome. Also called: Neoplastic Syndromes, Hereditary; Tumor predisposition; Hereditary Cancer Syndrome; Hereditary neoplastic syndrome. Identifiers: Orphanet 140162, MedGen C0027672, MeSH D009386, MONDO:0015356.
Hereditary nonpolyposis colorectal neoplasms. Identifiers: MedGen C0009405, MeSH D003123.

Allele frequency attached by ClinVar (database versions not stated): TOPMed below 0.00001; gnomAD 0.00001; gnomAD exomes 0.00001; ExAC 0.00002.
gnomAD v4.1: 5 of 1,592,238 alleles (0.00031%); highest among the groups gnomAD compares: African/African-American, 0.0014%; no homozygotes.

Submissions (3):

Ambry Genetics
Classification: Uncertain significance for Hereditary cancer-predisposing syndrome. Last evaluated: 2025-11-15. Review status: criteria provided, single submitter. Criteria: Ambry Variant Classification Scheme 2023. Collection method: clinical testing. Allele origin: germline.
Comment: The p.R974G variant (also known as c.2920A>G), located in coding exon 4 of the MSH6 gene, results from an A to G substitution at nucleotide position 2920. The arginine at codon 974 is replaced by glycine, an amino acid with dissimilar properties. This amino acid position is not well conserved in available vertebrate species. In addition, the in silico prediction for this alteration is inconclusive. Since supporting evidence is limited at this time, the clinical significance of this alteration remains unclear.

Labcorp Genetics (formerly Invitae), Labcorp
Classification: Likely benign for Hereditary nonpolyposis colorectal neoplasms. Last evaluated: 2024-09-15. Review status: criteria provided, single submitter. Criteria: Invitae Variant Classification Sherloc (09022015). Collection method: clinical testing. Allele origin: germline.

PreventionGenetics, part of Exact Sciences
Classification: Uncertain significance. Last evaluated: 2017-04-25. Review status: criteria provided, single submitter. Criteria: ACMG Guidelines, 2015. Collection method: clinical testing. Allele origin: germline.

NM_000179.3(MSH6):c.2920A>G (p.Arg974Gly)

Gene: MSH6 (mutS homolog 6; plus strand). Cytogenetic location: 2p16.3.
Variant type: single nucleotide variant.
Coding change: c.2920A>G on transcript NM_000179.3 (MANE Select); coding-DNA position 2920, A replaced by G.
Protein change: p.Arg974Gly; replaces arginine 974 with glycine.
Molecular consequence: missense variant.
Genome position (GRCh38, 1-based): chr2:47,800,903, A>G. VCF-style: chr2-47800903-A-G. GRCh37 (hg19) VCF-style: chr2-48028042-A-G.
Other names: c.2530A>G, p.Arg844Gly (NM_001281492.2); c.2014A>G, p.Arg672Gly (NM_001281493.2, NM_001281494.2); short protein forms R974G, R672G, R844G.
Identifiers: ClinVar variation 483777 (VCV000483777.18), dbSNP rs775407589, ClinGen allele CA069819.
Genomic context (GRCh38, chr2:47,800,903, plus strand): 5'-TACCTAGAGAAACAGCGCAACAGAATTGGCTGTAGGACCATAGTCTATTGGGGGATTGGT[A>G]GGAACCGTTACCAGCTGGAAATTCCTGAGAATTTCACCACTCGCAATTTGCCAGAAGAAT-3'
Protein context (NP_000170.1, residues 964-984): CRTIVYWGIG[Arg974Gly]NRYQLEIPEN